The following is an entry in ClinVar:

NM_006231.4(POLE):c.4408A>T (p.Met1470Leu)

Gene: POLE (DNA polymerase epsilon, catalytic subunit; minus strand). Cytogenetic location: 12q24.33.
Variant type: single nucleotide variant.
Coding change: c.4408A>T on transcript NM_006231.4 (MANE Select); coding-DNA position 4408, A replaced by T.
Protein change: p.Met1470Leu; replaces methionine 1470 with leucine.
Molecular consequence: missense variant.
Genome position (GRCh38, 1-based): chr12:132,643,443, T>A on the plus strand (A>T on the coding strand, the complement: POLE is on the minus strand). VCF-style: chr12-132643443-T-A. GRCh37 (hg19) VCF-style: chr12-133220029-T-A.
Other names: short protein forms M1470L.
Identifiers: ClinVar variation 1518340 (VCV001518340.8), dbSNP rs2138550488, ClinGen allele CA387381066.

ClinVar aggregate classification (germline): Uncertain significance (1 of 4 stars; one submission).

Submission:

Labcorp Genetics (formerly Invitae), Labcorp
Classification: Uncertain significance. Last evaluated: 2021-04-02. Review status: criteria provided, single submitter. Criteria: Invitae Variant Classification Sherloc (09022015). Collection method: clinical testing. Allele origin: germline.
Comment: Algorithms developed to predict the effect of missense changes on protein structure and function (SIFT, PolyPhen-2, Align-GVGD) all suggest that this variant is likely to be tolerated, but these predictions have not been confirmed by published functional studies and their clinical significance is uncertain. In summary, the available evidence is currently insufficient to determine the role of this variant in disease. Therefore, it has been classified as a Variant of Uncertain Significance. This variant has not been reported in the literature in individuals with POLE-related conditions. This variant is not present in population databases (ExAC no frequency). This sequence change replaces methionine with leucine at codon 1470 of the POLE protein (p.Met1470Leu). The methionine residue is moderately conserved and there is a small physicochemical difference between methionine and leucine.